The following is an entry in ClinVar:

ClinVar aggregate classification (germline): Conflicting classifications of pathogenicity. Review status: criteria provided, conflicting classifications (1 of 4 stars). 5 submissions from 5 submitters: Likely pathogenic (3); Uncertain significance (2). Last evaluated 2025-10-28.

Conditions:
MYH7-related disorder. Also called: MYH7-related condition; MYH7-related disease; MYH7-related disorders.
Cardiovascular phenotype. Identifiers: MedGen CN230736.
Hypertrophic cardiomyopathy 1 (CMH1). Also called: MYH7-Related Familial Hypertrophic Cardiomyopathy; Familial hypertrophic cardiomyopathy 1. Identifiers: MedGen C3495498, MONDO:0008647, OMIM 192600.
Hypertrophic cardiomyopathy. Also called: HYPERTROPHIC MYOCARDIOPATHY. Identifiers: Orphanet 217569, MedGen C0007194, MeSH D002312, MONDO:0005045, HP:0001639.

Submissions (5):

Labcorp Genetics (formerly Invitae), Labcorp
Classification: Uncertain significance for Hypertrophic cardiomyopathy. Last evaluated: 2025-10-28. Review status: criteria provided, single submitter. Criteria: Invitae Variant Classification Sherloc (09022015). Collection method: clinical testing. Allele origin: germline.
Comment: This sequence change replaces glutamic acid, which is acidic and polar, with lysine, which is basic and polar, at codon 965 of the MYH7 protein (p.Glu965Lys). This variant is not present in population databases (gnomAD no frequency). This missense change has been observed in individual(s) with hypertrophic cardiomyopathy (PMID: 18533079, 27247418). ClinVar contains an entry for this variant (Variation ID: 217467). Invitae Evidence Modeling of protein sequence and biophysical properties (such as structural, functional, and spatial information, amino acid conservation, physicochemical variation, residue mobility, and thermodynamic stability) indicates that this missense variant is expected to disrupt MYH7 protein function with a positive predictive value of 95%. In summary, the available evidence is currently insufficient to determine the role of this variant in disease. Therefore, it has been classified as a Variant of Uncertain Significance.

Ambry Genetics
Classification: Uncertain significance for Cardiovascular phenotype. Last evaluated: 2025-04-07. Review status: criteria provided, single submitter. Criteria: Ambry Variant Classification Scheme 2023. Collection method: clinical testing. Allele origin: germline.
Comment: The p.E965K variant (also known as c.2893G>A), located in coding exon 21 of the MYH7 gene, results from a G to A substitution at nucleotide position 2893. The glutamic acid at codon 965 is replaced by lysine, an amino acid with similar properties. This variant was reported in individual(s) with features consistent with hypertrophic cardiomyopathy (HCM) (Olivotto I et al. Mayo Clin Proc, 2008 Jun;83:630-8; Marsiglia JD et al. Am Heart J, 2013 Oct;166:775-82; Ambry internal data). This amino acid position is highly conserved in available vertebrate species. In addition, this alteration is predicted to be deleterious by in silico analysis. Based on the available evidence, the clinical significance of this variant remains unclear.

Blueprint Genetics
Classification: Likely pathogenic for MYH7-related disorders. Last evaluated: 2024-08-08. Review status: criteria provided, single submitter. Criteria: ACMG Guidelines, 2015. Collection method: clinical testing. Allele origin: germline. Affected: yes. Observed: 1 variant allele.

GeneDx
Classification: Likely pathogenic. Last evaluated: 2015-08-06. Review status: criteria provided, single submitter. Criteria: GeneDx Variant Classification (06012015). Collection method: clinical testing. Allele origin: germline. Affected: yes.
Comment: The E965K has been identified in two individuals with HCM and was absent from at least 300 control alleles (Olivotto et al., 2008; Marsiglia et al., 2013). The E965K variant was not observed in approximately 6,500 individuals of European and African American ancestry in the NHLBI Exome Sequencing Project, indicating it is not a common benign variant in these populations. Additionally, the E965K variant is a non-conservative amino acid substitution, which is likely to impact secondary protein structure as these residues differ in polarity, charge, size and/or other properties. This substitution occurs at a position that is conserved across species. In silico analysis predicts this variant is probably damaging to the protein structure/function. Furthermore, missense variants in nearby residues (D955N, L961R) have been reported in the Human Gene Mutation Database in association with cardiomyopathy (Stenson et al., 2014), supporting the functional importance of this region of the protein.Therefore, this variant is a strong candidate for a pathogenic variant however the possibility that it is a benign variant cannot be excluded.

Laboratory of Genetics and Molecular Cardiology, University of São Paulo
Classification: Likely pathogenic for Hypertrophic cardiomyopathy 1. Review status: criteria provided, single submitter. Criteria: LGCM Criteria August 2015. Collection method: clinical testing. Allele origin: germline. Inheritance: Autosomal dominant inheritance. Affected: yes. Observed: 1 variant allele. Study: Sarcomeric Human Cardiomyopathy Registry (ShaRe).

Literature cited by the submitters: PubMed 18533079 (cited by Labcorp Genetics (formerly Invitae), Labcorp and Ambry Genetics); PubMed 27247418 (cited by Labcorp Genetics (formerly Invitae), Labcorp); PubMed 24093860 (cited by Ambry Genetics); PubMed 37121957 (cited by Ambry Genetics).

NM_000257.4(MYH7):c.2893G>A (p.Glu965Lys)

Gene: MYH7 (myosin heavy chain 7; minus strand). Cytogenetic location: 14q11.2.
Variant type: single nucleotide variant.
Coding change: c.2893G>A on transcript NM_000257.4 (MANE Select); coding-DNA position 2893, G replaced by A.
Protein change: p.Glu965Lys; replaces glutamic acid 965 with lysine.
Molecular consequence: missense variant.
Genome position (GRCh38, 1-based): chr14:23,423,936, C>T on the plus strand (G>A on the coding strand, the complement: MYH7 is on the minus strand). VCF-style: chr14-23423936-C-T. GRCh37 (hg19) VCF-style: chr14-23893145-C-T.
Other names: short protein forms E965K.
Identifiers: ClinVar variation 217467 (VCV000217467.5), dbSNP rs863225100, ClinGen allele CA279332.